The following is an entry in ClinVar:

NM_001261826.3(AP3D1):c.1712G>A (p.Arg571Gln)

Gene: AP3D1 (adaptor related protein complex 3 subunit delta 1; minus strand). Cytogenetic location: 19p13.3.
Variant type: single nucleotide variant.
Coding change: c.1712G>A on transcript NM_001261826.3 (MANE Select); coding-DNA position 1712, G replaced by A.
Protein change: p.Arg571Gln; replaces arginine 571 with glutamine.
Molecular consequence: missense variant.
Genome position (GRCh38, 1-based): chr19:2,118,602, C>T on the plus strand (G>A on the coding strand, the complement: AP3D1 is on the minus strand). VCF-style: chr19-2118602-C-T. GRCh37 (hg19) VCF-style: chr19-2118601-C-T.
Other names: p.Arg571Gln; c.1712G>A, p.Arg571Gln (NM_001374799.1, NM_003938.8); short protein forms R571Q.
Identifiers: ClinVar variation 3380555 (VCV003380555.1).

ClinVar aggregate classification (germline): Uncertain significance (1 of 4 stars; one submission).

gnomAD v4.1: 3 of 1,607,120 alleles (0.00019%); highest among the groups gnomAD compares: African/African-American, 0.0013%; no homozygotes.

Submission:

Mayo Clinic Laboratories, Mayo Clinic
Classification: Uncertain significance. Last evaluated: 2024-02-21. Review status: criteria provided, single submitter. Criteria: ACMG Guidelines, 2015. Collection method: clinical testing. Allele origin: germline. Observed: 1 variant allele.
Comment: PM2